The following is an entry in ClinVar:

NM_001379291.1(BRD4):c.2935C>G (p.Pro979Ala)

Gene: BRD4 (bromodomain containing 4; minus strand). Cytogenetic location: 19p13.12.
Variant type: single nucleotide variant.
Coding change: c.2935C>G on transcript NM_001379291.1 (MANE Select); coding-DNA position 2935, C replaced by G.
Protein change: p.Pro979Ala; replaces proline 979 with alanine.
Molecular consequence: missense variant.
Genome position (GRCh38, 1-based): chr19:15,243,134, G>C on the plus strand (C>G on the coding strand, the complement: BRD4 is on the minus strand). VCF-style: chr19-15243134-G-C. GRCh37 (hg19) VCF-style: chr19-15353945-G-C.
Other names: c.2935C>G, p.Pro979Ala (NM_058243.3); short protein forms P979A.
Identifiers: ClinVar variation 2071177 (VCV002071177.4), dbSNP rs1236171366, ClinGen allele CA404503995.

ClinVar aggregate classification (germline): Uncertain significance (1 of 4 stars; one submission).

Allele frequency attached by ClinVar (database versions not stated): gnomAD 0.00011; TOPMed 0.00031.
gnomAD v4.1: 25 of 1,267,016 alleles (0.002%); highest among the groups gnomAD compares: Admixed American, 0.059%; no homozygotes.

Submission:

Labcorp Genetics (formerly Invitae), Labcorp
Classification: Uncertain significance. Last evaluated: 2025-07-23. Review status: criteria provided, single submitter. Criteria: Invitae Variant Classification Sherloc (09022015). Collection method: clinical testing. Allele origin: germline.
Comment: This sequence change replaces proline, which is neutral and non-polar, with alanine, which is neutral and non-polar, at codon 979 of the BRD4 protein (p.Pro979Ala). This variant is present in population databases (no rsID available, gnomAD 0.04%), and has an allele count higher than expected for a pathogenic variant. This variant has not been reported in the literature in individuals affected with BRD4-related conditions. ClinVar contains an entry for this variant (Variation ID: 2071177). An algorithm developed to predict the effect of missense changes on protein structure and function (PolyPhen-2) suggests that this variant is likely to be disruptive. In summary, the available evidence is currently insufficient to determine the role of this variant in disease. Therefore, it has been classified as a Variant of Uncertain Significance.